The following is an entry in ClinVar:

NM_001447.3(FAT2):c.2448C>T (p.Asn816=)

Gene: FAT2 (FAT atypical cadherin 2; minus strand). Cytogenetic location: 5q33.1.
Variant type: single nucleotide variant.
Coding change: c.2448C>T on transcript NM_001447.3 (MANE Select); coding-DNA position 2448, C replaced by T.
Protein change: p.Asn816=; no amino-acid change (asparagine 816 retained).
Molecular consequence: synonymous variant.
Genome position (GRCh38, 1-based): chr5:151,566,484, G>A on the plus strand (C>T on the coding strand, the complement: FAT2 is on the minus strand). VCF-style: chr5-151566484-G-A. GRCh37 (hg19) VCF-style: chr5-150946045-G-A.
Identifiers: ClinVar variation 2042156 (VCV002042156.29), dbSNP rs142781014, ClinGen allele CA3522071.
Genomic context (GRCh38, chr5:151,566,484, plus strand): 5'-TCCAACTTCTGTGTCCTCCGAGATGGTTAACTGGTACCCACCGGGAGGAAATCTGGGTGC[G>A]TTGTCATTCCAGTCTTTCACATTCACTGTCAGCAGCTTCCAGGAGGACTTCTGGGGTGTG-3'
Protein context (NP_001438.1, residues 806-826): LTVNVKDWND[Asn816=]APRFPPGGYQ

ClinVar aggregate classification (germline): Benign/Likely benign. Review status: criteria provided, multiple submitters, no conflicts (2 of 4 stars). 3 submissions from 3 submitters: Benign (1); Likely benign (2). Last evaluated 2025-12-16.

Allele frequency attached by ClinVar (database versions not stated): TOPMed 0.00037; ESP Exome Variant Server 0.00046; gnomAD 0.00065.
gnomAD v4.1: 1,023 of 1,613,866 alleles (0.063%); highest among the groups gnomAD compares: Non-Finnish European, 0.064%; 2 homozygotes.

Submissions (3):

Labcorp Genetics (formerly Invitae), Labcorp
Classification: Benign. Last evaluated: 2025-12-16. Review status: criteria provided, single submitter. Criteria: Invitae Variant Classification Sherloc (09022015). Collection method: clinical testing. Allele origin: germline.

Blueprint Genetics
Classification: Likely benign. Last evaluated: 2024-10-01. Review status: criteria provided, single submitter. Criteria: ACMG Guidelines, 2015. Collection method: clinical testing. Allele origin: germline.

CeGaT Center for Human Genetics Tuebingen
Classification: Likely benign. Last evaluated: 2024-04-01. Review status: criteria provided, single submitter. Criteria: CeGaT Center For Human Genetics Tuebingen Variant Classification Criteria Version 2. Collection method: clinical testing. Allele origin: germline. Affected: yes. Observed: 2 variant alleles.
Comment: FAT2: BP4, BP7